The following is an entry in ClinVar:

NM_000439.5(PCSK1):c.1188G>C (p.Leu396=)

Genes: CAST (calpastatin; plus strand), PCSK1 (proprotein convertase subtilisin/kexin type 1; minus strand), LOC101929710 (uncharacterized LOC101929710; plus strand). Cytogenetic location: 5q15.
Variant type: single nucleotide variant.
Coding change: c.1188G>C on transcript NM_000439.5 (MANE Select); coding-DNA position 1188, G replaced by C.
Protein change: p.Leu396=; no amino-acid change (leucine 396 retained).
Molecular consequence: synonymous variant. On other transcripts: intron variant (11).
Genome position (GRCh38, 1-based): chr5:96,408,231, C>G on the plus strand (G>C on the coding strand, the complement: PCSK1 is on the minus strand). VCF-style: chr5-96408231-C-G. GRCh37 (hg19) VCF-style: chr5-95743935-C-G.
Other names: c.1047G>C, p.Leu349= (NM_001177875.2); c.-175+28579C>G (NM_001423254.1, NM_001423259.1, NM_001423255.1 and 6 more transcripts); c.-103+28579C>G (NM_001423253.1); c.-40+28579C>G (NM_001423258.1).
Identifiers: ClinVar variation 3353880 (VCV003353880.1).
Genomic context (GRCh38, chr5:96,408,231, plus strand): 5'-AATAAGGAGAATCAGCCTTTGTAAAGGTGATTAGAAGCTTTCTGGGCCTTACTTTGCTTC[C>G]AGGGCCAGAGCGAAGATGCCAGCAGCCAGAGGTGCAGAGGCCGAGGTGCCTGTGTGCGTC-3'
Protein context (NP_000430.3, residues 386-406): PLAAGIFALA[Leu396=]EANPNLTWRD

ClinVar aggregate classification (germline): Likely benign (0 of 4 stars; one submission).

Conditions:
PCSK1-related disorder. Also called: PCSK1-related condition.

gnomAD v4.1: 30 of 1,612,770 alleles (0.0019%); highest among the groups gnomAD compares: South Asian, 0.029%; no homozygotes.

Submission:

PreventionGenetics, part of Exact Sciences
Classification: Likely benign for PCSK1-related condition. Last evaluated: 2022-09-27. Review status: no assertion criteria provided. Collection method: clinical testing. Allele origin: germline.
Comment: This variant is classified as likely benign based on ACMG/AMP sequence variant interpretation guidelines (Richards et al. 2015 PMID: 25741868, with internal and published modifications).